The following is an entry in ClinVar:

ClinVar aggregate classification (germline): Uncertain significance (1 of 4 stars; one submission).

Conditions:
Hereditary breast ovarian cancer syndrome. Also called: BRCA1- and BRCA2-Associated Hereditary Breast and Ovarian Cancer; Hereditary breast and/or ovarian cancer syndrome; Hereditary breast and ovarian cancer; Hereditary breast and ovarian cancer syndrome (HBOC); Breast and ovarian cancer; Hereditary breast and ovarian cancer syndrome. Identifiers: Orphanet 145, MedGen C0677776, MeSH D061325, MONDO:0003582. Disease mechanism: loss of function.

Submission:

Labcorp Genetics (formerly Invitae), Labcorp
Classification: Uncertain significance for Hereditary breast ovarian cancer syndrome. Last evaluated: 2023-11-18. Review status: criteria provided, single submitter. Criteria: Invitae Variant Classification Sherloc (09022015). Collection method: clinical testing. Allele origin: germline.
Comment: This sequence change disrupts the translational stop signal of the BRCA2 mRNA. It is expected to extend the length of the BRCA2 protein by 10 additional amino acid residues. This variant is not present in population databases (gnomAD no frequency). This variant has not been reported in the literature in individuals affected with BRCA2-related conditions. Experimental studies and prediction algorithms are not available or were not evaluated, and the functional significance of this variant is currently unknown. In summary, the available evidence is currently insufficient to determine the role of this variant in disease. Therefore, it has been classified as a Variant of Uncertain Significance.

NM_000059.4(BRCA2):c.10255T>G (p.Ter3419Glu)

Gene: BRCA2 (BRCA2 DNA repair associated; plus strand). Cytogenetic location: 13q13.1.
Variant type: single nucleotide variant.
Coding change: c.10255T>G on transcript NM_000059.4 (MANE Select); coding-DNA position 10255, T replaced by G.
Protein change: p.Ter3419Glu.
Molecular consequence: stop lost. On other transcripts: non-coding transcript variant (1).
Genome position (GRCh38, 1-based): chr13:32,398,768, T>G. VCF-style: chr13-32398768-T-G. GRCh37 (hg19) VCF-style: chr13-32972905-T-G.
Other names: c.10159T>G, p.Ter3387Glu (NM_001406719.1); c.10204T>G, p.Ter3402Glu (NM_001406720.1); c.5323T>G, p.Ter1775Glu (NM_001406721.1); c.3838T>G, p.Ter1280Glu (NM_001406722.1).
Identifiers: ClinVar variation 2733527 (VCV002733527.3), dbSNP rs2548565983, ClinGen allele CA387768720.